The following is an entry in ClinVar:

NM_000257.4(MYH7):c.4192C>T (p.Gln1398Ter)

Gene: MYH7 (myosin heavy chain 7; minus strand). Cytogenetic location: 14q11.2.
Variant type: single nucleotide variant.
Coding change: c.4192C>T on transcript NM_000257.4 (MANE Select); coding-DNA position 4192, C replaced by T.
Protein change: p.Gln1398Ter; replaces glutamine 1398 with a stop codon.
Molecular consequence: nonsense.
Genome position (GRCh38, 1-based): chr14:23,417,664, G>A on the plus strand (C>T on the coding strand, the complement: MYH7 is on the minus strand). VCF-style: chr14-23417664-G-A. GRCh37 (hg19) VCF-style: chr14-23886873-G-A.
Other names: c.4192C>T, p.Gln1398Ter (NM_001407004.1); short protein forms Q1398*.
Identifiers: ClinVar variation 3017893 (VCV003017893.3), dbSNP rs2502252214, ClinGen allele CA389040561.

ClinVar aggregate classification (germline): Uncertain significance (1 of 4 stars; one submission).

Conditions:
Hypertrophic cardiomyopathy. Also called: HYPERTROPHIC MYOCARDIOPATHY. Identifiers: Orphanet 217569, MedGen C0007194, MeSH D002312, MONDO:0005045, HP:0001639.

Submission:

Labcorp Genetics (formerly Invitae), Labcorp
Classification: Uncertain significance for Hypertrophic cardiomyopathy. Last evaluated: 2023-05-13. Review status: criteria provided, single submitter. Criteria: Invitae Variant Classification Sherloc (09022015). Collection method: clinical testing. Allele origin: germline.
Comment: In summary, the available evidence is currently insufficient to determine the role of this variant in disease. Therefore, it has been classified as a Variant of Uncertain Significance. This variant has not been reported in the literature in individuals affected with MYH7-related conditions. This variant is not present in population databases (gnomAD no frequency). This sequence change creates a premature translational stop signal (p.Gln1398*) in the MYH7 gene. It is expected to result in an absent or disrupted protein product. However, the current clinical and genetic evidence is not sufficient to establish whether loss-of-function variants in MYH7 cause disease.